The following is an entry in ClinVar:

ClinVar aggregate classification (germline): Uncertain significance (1 of 4 stars; one submission).

Conditions:
Idiopathic generalized epilepsy. Also called: Generalised epilepsy; EIG. Identifiers: MedGen C0270850, MONDO:0005579, OMIM 600669.

Submission:

Labcorp Genetics (formerly Invitae), Labcorp
Classification: Uncertain significance for Idiopathic generalized epilepsy. Last evaluated: 2022-12-02. Review status: criteria provided, single submitter. Criteria: Invitae Variant Classification Sherloc (09022015). Collection method: clinical testing. Allele origin: germline.
Comment: Experimental studies and prediction algorithms are not available or were not evaluated, and the functional significance of this variant is currently unknown. ClinVar contains an entry for this variant (Variation ID: 579432). This variant has not been reported in the literature in individuals affected with CACNB4-related conditions. This variant is present in population databases (rs764343188, gnomAD 0.008%). This variant, c.1470_1472del, results in the deletion of 1 amino acid(s) of the CACNB4 protein (p.Glu490del), but otherwise preserves the integrity of the reading frame. In summary, the available evidence is currently insufficient to determine the role of this variant in disease. Therefore, it has been classified as a Variant of Uncertain Significance.

NM_000726.5(CACNB4):c.1467AGA[1] (p.Glu490del)

Gene: CACNB4 (calcium voltage-gated channel auxiliary subunit beta 4; minus strand). Cytogenetic location: 2q23.3.
Variant type: Microsatellite.
Coding change: c.1467AGA[1] on transcript NM_000726.5 (MANE Select); one copy of the 3-base unit AGA starting at c.1467; the reference has two copies in a row; one copy, 3 bases deleted.
Protein change: p.Glu490del; deletes glutamic acid 490.
Molecular consequence: inframe deletion. On other transcripts: inframe indel (2).
Genome position (GRCh38, 1-based): chr2:151,839,210-151,839,212, TCT deleted on the plus strand (AGA on the coding strand, the reverse complement: CACNB4 is on the minus strand); deleting any 3 consecutive bases within chr2:151,839,210-151,839,217 gives the same sequence; the position shown is the placement nearest the transcript's 3' end. VCF-style (leftmost placement, unchanged base first): chr2-151839209-ATCT-A. GRCh37 (hg19) VCF-style: chr2-152695723-ATCT-A.
Other names: c.1413AGA[1], p.Glu472del (NM_001005746.4); c.1365AGA[1], p.Glu456del (NM_001005747.4); c.1279_1281GAA[1], p.Glu428del (NM_001145798.3); c.1326AGA[1], p.Glu443del (NM_001320722.3); c.1224AGA[1], p.Glu409del (NM_001330113.2); c.813AGA[1], p.Glu272del (NM_001330114.2); c.1176AGA[1], p.Glu393del (NM_001330115.2); c.1137AGA[1], p.Glu380del (NM_001330116.2); and 2 more; short protein forms E490del, E272del, E409del, E443del, E380del, E393del, E472del, E304del.
Identifiers: ClinVar variation 579432 (VCV000579432.9), dbSNP rs764343188, ClinGen allele CA1912334.
Genomic context (GRCh38, chr2:151,839,209, plus strand): 5'-TCCCCCAGGTGATCCTCGGTTCCTATGGGGTTTGTAAGTGTCCTGGTATGAGTCAGGGTA[ATCT>A]TCTTCCACAAGAGGGTAATGATCTCGGCTATGCTGAGAACTGGAAGACAAGCGGTTCCTA-3'